The following is an entry in ClinVar:

ClinVar aggregate classification (germline): Uncertain significance. Review status: criteria provided, multiple submitters, no conflicts (2 of 4 stars). 4 submissions from 4 submitters: Uncertain significance (4). Last evaluated 2026-01-06.

Conditions:
Familial thoracic aortic aneurysm and aortic dissection (TAAD). Also called: Thoracic aortic aneurysms and dissections. Identifiers: Orphanet 91387, MedGen C4707243, MONDO:0019625.
Arterial tortuosity syndrome (ATORS). Identifiers: Orphanet 3342, MedGen C1859726, MONDO:0008818, OMIM 208050.

Allele frequency attached by ClinVar (database versions not stated): TOPMed 0.00002; 1000 Genomes Project 30x 0.00016; 1000 Genomes Project 0.00020.
gnomAD v4.1: 42 of 1,614,104 alleles (0.0026%); highest among the groups gnomAD compares: Middle Eastern, 0.033%; no homozygotes.

Submissions (4):

Ambry Genetics
Classification: Uncertain significance for Familial thoracic aortic aneurysm and aortic dissection. Last evaluated: 2026-01-06. Review status: criteria provided, single submitter. Criteria: Ambry Variant Classification Scheme 2023. Collection method: clinical testing. Allele origin: germline.
Comment: The p.R225C variant (also known as c.673C>T), located in coding exon 2 of the SLC2A10 gene, results from a C to T substitution at nucleotide position 673. The arginine at codon 225 is replaced by cysteine, an amino acid with highly dissimilar properties. This amino acid position is not well conserved in available vertebrate species. In addition, the in silico prediction for this alteration is inconclusive. Based on the available evidence, the clinical significance of this variant remains unclear.

Labcorp Genetics (formerly Invitae), Labcorp
Classification: Uncertain significance for Arterial tortuosity syndrome. Last evaluated: 2024-11-11. Review status: criteria provided, single submitter. Criteria: Invitae Variant Classification Sherloc (09022015). Collection method: clinical testing. Allele origin: germline.
Comment: This sequence change replaces arginine, which is basic and polar, with cysteine, which is neutral and slightly polar, at codon 225 of the SLC2A10 protein (p.Arg225Cys). This variant is present in population databases (rs199659394, gnomAD 0.01%). This variant has not been reported in the literature in individuals affected with SLC2A10-related conditions. ClinVar contains an entry for this variant (Variation ID: 213729). Invitae Evidence Modeling of protein sequence and biophysical properties (such as structural, functional, and spatial information, amino acid conservation, physicochemical variation, residue mobility, and thermodynamic stability) has been performed for this missense variant. However, the output from this modeling did not meet the statistical confidence thresholds required to predict the impact of this variant on SLC2A10 protein function. In summary, the available evidence is currently insufficient to determine the role of this variant in disease. Therefore, it has been classified as a Variant of Uncertain Significance.

CHEO Genetics Diagnostic Laboratory, Children's Hospital of Eastern Ontario
Classification: Uncertain significance for Familial thoracic aortic aneurysm and aortic dissection. Last evaluated: 2023-06-07. Review status: criteria provided, single submitter. Criteria: ACMG Guidelines, 2015. Collection method: clinical testing. Allele origin: germline.

GeneDx
Classification: Uncertain significance. Last evaluated: 2013-03-15. Review status: criteria provided, single submitter. Criteria: GeneDx Variant Classification (06012015). Collection method: clinical testing. Allele origin: germline. Affected: yes.
Comment: p.Arg225Cys (CGC>TGC): c.673 C>T in exon 2 of the SLC2A10 gene (NM_030777.3). The Arg225Cys variant in the SLC2A10 gene has not been reported as a disease-causing mutation nor as a benign polymorphism to our knowledge. Arg225Cys results in a non-conservative amino acid substitution of a positively charged Arginine with a neutral, polar Cysteine at a position that is not well conserved across species. Mutations in a nearby codon (Arg231Gln, Arg231Trp) have been reported in association with arterial tortuosity syndrome (ATS), supporting the functional importance of this region of the protein. The 1,000 Genomes Project identified the Arg225Cys variant with a frequency of 0.2%, 1/571 alleles, in individuals of Asian ancestry. With the clinical and molecular information available at this time, we cannot definitively determine if Arg225Cys is a disease-causing mutation or a rare benign variant. This variant was found in TAAD

NM_030777.4(SLC2A10):c.673C>T (p.Arg225Cys)

Gene: SLC2A10 (solute carrier family 2 member 10; plus strand). Cytogenetic location: 20q13.12.
Variant type: single nucleotide variant.
Coding change: c.673C>T on transcript NM_030777.4 (MANE Select); coding-DNA position 673, C replaced by T.
Protein change: p.Arg225Cys; replaces arginine 225 with cysteine.
Molecular consequence: missense variant.
Genome position (GRCh38, 1-based): chr20:46,725,709, C>T. VCF-style: chr20-46725709-C-T. GRCh37 (hg19) VCF-style: chr20-45354348-C-T.
Other names: p.R225C:CGC>TGC; short protein forms R225C.
Identifiers: ClinVar variation 213729 (VCV000213729.10), dbSNP rs199659394, ClinGen allele CA323783.
Genomic context (GRCh38, chr20:46,725,709, plus strand): 5'-GAGGCCCCCAAGCTGGGCCCGGGGAGGCCACGGTACTCCTTTCTGGACCTCTTCAGGGCA[C>T]GCGATAACATGCGAGGCCGGACCACAGTGGGCCTGGGGCTGGTGCTCTTCCAGCAACTAA-3'
Protein context (NP_110404.1, residues 215-235): RYSFLDLFRA[Arg225Cys]DNMRGRTTVG